The following is an entry in ClinVar:

ClinVar aggregate classification (germline): Uncertain significance (1 of 4 stars; one submission).

Conditions:
Neutral lipid storage myopathy (NLSDM). Also called: NEUTRAL LIPID STORAGE DISEASE WITHOUT ICHTHYOSIS. Identifiers: Orphanet 98908, MedGen C1853136, MONDO:0012545, OMIM 610717.

gnomAD v4.1: 4 of 1,491,788 alleles (0.00027%); highest among the groups gnomAD compares: Non-Finnish European, 0.00036%; no homozygotes.

Submission:

Labcorp Genetics (formerly Invitae), Labcorp
Classification: Uncertain significance for Neutral lipid storage myopathy. Last evaluated: 2019-12-11. Review status: criteria provided, single submitter. Criteria: Invitae Variant Classification Sherloc (09022015). Collection method: clinical testing. Allele origin: germline.
Comment: In summary, the available evidence is currently insufficient to determine the role of this variant in disease. Therefore, it has been classified as a Variant of Uncertain Significance. Algorithms developed to predict the effect of missense changes on protein structure and function are either unavailable or do not agree on the potential impact of this missense change (SIFT: "Deleterious"; PolyPhen-2: "Benign"; Align-GVGD: "Class C0"). This variant has not been reported in the literature in individuals with PNPLA2-related conditions. The frequency data for this variant in the population databases is considered unreliable, as metrics indicate insufficient coverage at this position in the ExAC database. This sequence change replaces arginine with histidine at codon 4 of the PNPLA2 protein (p.Arg4His). The arginine residue is moderately conserved and there is a small physicochemical difference between arginine and histidine.

NM_020376.4(PNPLA2):c.11G>A (p.Arg4His)

Genes: PNPLA2 (patatin like domain 2, triacylglycerol lipase; plus strand), LOC130005097 (ATAC-STARR-seq lymphoblastoid silent region 3036; plus strand). Cytogenetic location: 11p15.5.
Variant type: single nucleotide variant.
Coding change: c.11G>A on transcript NM_020376.4 (MANE Select); coding-DNA position 11, G replaced by A.
Protein change: p.Arg4His; replaces arginine 4 with histidine.
Molecular consequence: missense variant.
Genome position (GRCh38, 1-based): chr11:819,729, G>A. VCF-style: chr11-819729-G-A. GRCh37 (hg19) VCF-style: chr11-819729-G-A.
Other names: short protein forms R4H.
Identifiers: ClinVar variation 835788 (VCV000835788.10), dbSNP rs1295890527, ClinGen allele CA378976117.